The following is an entry in ClinVar:

NM_000018.4(ACADVL):c.427G>A (p.Gly143Ser)

Gene: ACADVL (acyl-CoA dehydrogenase very long chain; plus strand). Cytogenetic location: 17p13.1.
Variant type: single nucleotide variant.
Coding change: c.427G>A on transcript NM_000018.4 (MANE Select); coding-DNA position 427, G replaced by A.
Protein change: p.Gly143Ser; replaces glycine 143 with serine.
Molecular consequence: missense variant.
Genome position (GRCh38, 1-based): chr17:7,221,008, G>A. VCF-style: chr17-7221008-G-A. GRCh37 (hg19) VCF-style: chr17-7124327-G-A.
Other names: c.361G>A, p.Gly121Ser (NM_001033859.3); c.496G>A, p.Gly166Ser (NM_001270447.2); c.199G>A, p.Gly67Ser (NM_001270448.2); short protein forms G143S, G121S, G166S, G67S.
Identifiers: ClinVar variation 1466511 (VCV001466511.6), dbSNP rs794727773, ClinGen allele CA312249.

ClinVar aggregate classification (germline): Uncertain significance (1 of 4 stars; one submission).

Conditions:
Very long chain acyl-CoA dehydrogenase deficiency (ACADVLD). Also called: Very Long-Chain Acyl-Coenzyme A Dehydrogenase Deficiency; VLCAD Deficiency. Identifiers: Orphanet 26793, MedGen C3887523, MONDO:0008723, OMIM 201475.

Submission:

Labcorp Genetics (formerly Invitae), Labcorp
Classification: Uncertain significance for Very long chain acyl-CoA dehydrogenase deficiency. Last evaluated: 2024-10-03. Review status: criteria provided, single submitter. Criteria: Invitae Variant Classification Sherloc (09022015). Collection method: clinical testing. Allele origin: germline.
Comment: This sequence change replaces glycine, which is neutral and non-polar, with serine, which is neutral and polar, at codon 143 of the ACADVL protein (p.Gly143Ser). This variant is not present in population databases (gnomAD no frequency). This variant has not been reported in the literature in individuals affected with ACADVL-related conditions. ClinVar contains an entry for this variant (Variation ID: 1466511). Invitae Evidence Modeling of protein sequence and biophysical properties (such as structural, functional, and spatial information, amino acid conservation, physicochemical variation, residue mobility, and thermodynamic stability) indicates that this missense variant is not expected to disrupt ACADVL protein function with a negative predictive value of 80%. This variant disrupts the p.Gly143 amino acid residue in ACADVL. Other variant(s) that disrupt this residue have been determined to be pathogenic (internal data). This suggests that this residue is clinically significant, and that variants that disrupt this residue are likely to be disease-causing. In summary, the available evidence is currently insufficient to determine the role of this variant in disease. Therefore, it has been classified as a Variant of Uncertain Significance.